The following is an entry in ClinVar:

ClinVar aggregate classification (germline): Benign (1 of 4 stars; one submission).

gnomAD v4.1: 5,634 of 696,536 alleles (0.81%); highest among the groups gnomAD compares: Non-Finnish European, 1.1%; 35 homozygotes.

Submission:

CeGaT Center for Human Genetics Tuebingen
Classification: Benign. Last evaluated: 2025-08-01. Review status: criteria provided, single submitter. Criteria: CeGaT Center For Human Genetics Tuebingen Variant Classification Criteria Version 2. Collection method: clinical testing. Allele origin: germline. Affected: yes. Observed: 1 variant allele.
Comment: RAPGEF2: BS1, BS2

NM_001394067.2(RAPGEF2):c.358-129T>C

Gene: RAPGEF2 (Rap guanine nucleotide exchange factor 2; plus strand). Cytogenetic location: 4q32.1.
Variant type: single nucleotide variant.
Coding change: c.358-129T>C on transcript NM_001394067.2 (MANE Select); 129 bases into the intron before coding-DNA position 358, T replaced by C.
Molecular consequence: intron variant.
Genome position (GRCh38, 1-based): chr4:159,241,072, T>C. VCF-style: chr4-159241072-T-C. GRCh37 (hg19) VCF-style: chr4-160162224-T-C.
Other names: c.358-129T>C (NM_001351724.5); c.10-129T>C (NM_001351726.3, NM_001351725.2).
Identifiers: ClinVar variation 4083683 (VCV004083683.8).